The following is an entry in ClinVar:

NM_000799.4(EPO):c.9G>A (p.Val3=)

Gene: EPO (erythropoietin; plus strand). Cytogenetic location: 7q22.1.
Variant type: single nucleotide variant.
Coding change: c.9G>A on transcript NM_000799.4 (MANE Select); coding-DNA position 9, G replaced by A.
Protein change: p.Val3=; no amino-acid change (valine 3 retained).
Molecular consequence: synonymous variant.
Genome position (GRCh38, 1-based): chr7:100,720,989, G>A. VCF-style: chr7-100720989-G-A. GRCh37 (hg19) VCF-style: chr7-100318612-G-A.
Identifiers: ClinVar variation 3043637 (VCV003043637.2), dbSNP rs759518255, ClinGen allele CA163305891.

ClinVar aggregate classification (germline): Likely benign (0 of 4 stars; one submission).

Conditions:
EPO-related disorder. Also called: EPO-related condition.

Allele frequency attached by ClinVar (database versions not stated): gnomAD 0.00001.
gnomAD v4.1: 43 of 1,579,506 alleles (0.0027%); highest among the groups gnomAD compares: Non-Finnish European, 0.0035%; no homozygotes.

Submission:

PreventionGenetics, part of Exact Sciences
Classification: Likely benign for EPO-related condition. Last evaluated: 2019-06-06. Review status: no assertion criteria provided. Collection method: clinical testing. Allele origin: germline.
Comment: This variant is classified as likely benign based on ACMG/AMP sequence variant interpretation guidelines (Richards et al. 2015 PMID: 25741868, with internal and published modifications).